The following is an entry in ClinVar:

NM_007254.4(PNKP):c.1188+1del

Gene: PNKP (polynucleotide kinase 3'-phosphatase; minus strand). Cytogenetic location: 19q13.33.
Variant type: Deletion.
Coding change: c.1188+1del on transcript NM_007254.4 (MANE Select); the canonical splice donor site of the intron after coding-DNA position 1188, one base deleted (G; older notation c.1188+1delG).
Molecular consequence: splice donor variant.
Genome position (GRCh38, 1-based): chr19:49,862,043, C deleted on the plus strand (G on the coding strand, the reverse complement: PNKP is on the minus strand); the first of 3 consecutive C bases (chr19:49,862,043-49,862,045); deleting any one gives the same sequence. VCF-style (leftmost placement, unchanged base first): chr19-49862042-AC-A. GRCh37 (hg19) VCF-style: chr19-50365299-AC-A.
Identifiers: ClinVar variation 1801056 (VCV001801056.2), dbSNP rs1462821802, ClinGen allele CA633895256.

ClinVar aggregate classification (germline): Likely pathogenic (1 of 4 stars; one submission).

Submission:

GeneDx
Classification: Likely pathogenic. Last evaluated: 2026-03-31. Review status: criteria provided, single submitter. Criteria: GeneDx Variant Classification Process June 2021. Collection method: clinical testing. Allele origin: germline.
Comment: Canonical splice site variant predicted to result in a null allele in a gene for which loss of function is a known mechanism of disease; Not observed at significant frequency in large population cohorts (gnomAD); Has not been previously published as pathogenic or benign to our knowledge